The following is an entry in ClinVar:

ClinVar aggregate classification (germline): Likely pathogenic (1 of 4 stars; one submission).

gnomAD v4.1: 10 of 1,602,230 alleles (0.00062%); highest among the groups gnomAD compares: Non-Finnish European, 0.00077%; no homozygotes.

Submission:

Labcorp Genetics (formerly Invitae), Labcorp
Classification: Likely pathogenic. Last evaluated: 2024-08-31. Review status: criteria provided, single submitter. Criteria: Invitae Variant Classification Sherloc (09022015). Collection method: clinical testing. Allele origin: germline.
Comment: This sequence change falls in intron 13 of the POLE gene. It does not directly change the encoded amino acid sequence of the POLE protein. RNA analysis indicates that this variant induces altered splicing and may result in an absent or altered protein product. This variant is not present in population databases (gnomAD no frequency). This variant has not been reported in the literature in individuals affected with POLE-related conditions. ClinVar contains an entry for this variant (Variation ID: 540873). Variants that disrupt the consensus splice site are a relatively common cause of aberrant splicing (PMID: 17576681, 9536098). Studies have shown that this variant results in activation of a cryptic splice site, and produces a non-functional protein and/or introduces a premature termination codon (internal data). In summary, the currently available evidence indicates that the variant is pathogenic, but additional data are needed to prove that conclusively. Therefore, this variant has been classified as Likely Pathogenic.

Literature cited by the submitters: PubMed 17576681; PubMed 9536098.

NM_006231.4(POLE):c.1359+6T>A

Gene: POLE (DNA polymerase epsilon, catalytic subunit; minus strand). Cytogenetic location: 12q24.33.
Variant type: single nucleotide variant.
Coding change: c.1359+6T>A on transcript NM_006231.4 (MANE Select); 6 bases into the intron after coding-DNA position 1359, T replaced by A.
Molecular consequence: intron variant.
Genome position (GRCh38, 1-based): chr12:132,673,569, A>T on the plus strand (T>A on the coding strand, the complement: POLE is on the minus strand). VCF-style: chr12-132673569-A-T. GRCh37 (hg19) VCF-style: chr12-133250155-A-T.
Identifiers: ClinVar variation 540873 (VCV000540873.8), dbSNP rs1555228569, ClinGen allele CA658797999.